The following is an entry in ClinVar:

NC_000006.11:g.(129381042_129419317)_(129419561_129465045)del

Gene: LAMA2 (laminin subunit alpha 2; plus strand). Cytogenetic location: 6q22.33.
Variant type: Deletion.
Identifiers: ClinVar variation 2581559 (VCV002581559.1).

ClinVar aggregate classification (germline): Pathogenic (1 of 4 stars; one submission).

Conditions:
LAMA2-related muscular dystrophy (LAMA2-RD). Also called: Laminin alpha 2-related dystrophy. Identifiers: MedGen C5679788, MONDO:0100228.

Submission:

Women's Health and Genetics/Laboratory Corporation of America, LabCorp
Classification: Pathogenic for LAMA2-related muscular dystrophy. Last evaluated: 2023-08-08. Review status: criteria provided, single submitter. Criteria: LabCorp Variant Classification Summary - May 2015. Collection method: clinical testing. Allele origin: germline.
Comment: Variant summary: The variant identified by MLPA or other technology involves the deletion of exon 4 in the LAMA2 gene. A presumed nomenclature of c.(396+1_397-1)_(639+1_640-1)del has been designated for the purposes of this classification. Although the exact breakpoints of this deletion are not known, it is expected to result in a large in-frame deletion in the LAMA2 gene, a known mechanism of disease. The variant was absent in 21694 control chromosomes (gnomAD, Structural Variant dataset). c.(396+1_397-1)_(639+1_640-1)del has been reported in the literature as a biallelic genotype in multiple individuals affected with Laminin Alpha 2-Related Dystrophy (e.g. Xiong_2015, Ge_2018). These data indicate that the variant is very likely to be associated with disease. To our knowledge, no experimental evidence demonstrating an impact on protein function has been reported. The following publications have been ascertained in the context of this evaluation (PMID: 24611677, 30301903). One ClinVar submitter has assessed a similar exon 4 deletion variant since 2014, and classified the variant as pathogenic. Based on the evidence outlined above, the variant was classified as pathogenic.

Literature cited by the submitters: PubMed 24611677; PubMed 30301903.